The following is an entry in ClinVar:

NM_001142800.2(EYS):c.7748G>C (p.Arg2583Pro)

Gene: EYS (eyes shut homolog; minus strand). Cytogenetic location: 6q12.
Variant type: single nucleotide variant.
Coding change: c.7748G>C on transcript NM_001142800.2 (MANE Select); coding-DNA position 7748, G replaced by C.
Protein change: p.Arg2583Pro; replaces arginine 2583 with proline.
Molecular consequence: missense variant.
Genome position (GRCh38, 1-based): chr6:63,778,156, C>G on the plus strand (G>C on the coding strand, the complement: EYS is on the minus strand). VCF-style: chr6-63778156-C-G. GRCh37 (hg19) VCF-style: chr6-64488049-C-G.
Other names: c.7748G>C, p.Arg2583Pro (NM_001292009.2); short protein forms R2583P.
Identifiers: ClinVar variation 811974 (VCV000811974.9), dbSNP rs564020009, ClinGen allele CA364390741.

ClinVar aggregate classification (germline): Uncertain significance. Review status: criteria provided, single submitter (1 of 4 stars). 2 submissions from 2 submitters: Uncertain significance (1). 1 of the submissions does not count toward it. Last evaluated 2019-04-18.

Conditions:
Retinitis pigmentosa 25 (RP25). Identifiers: Orphanet 791, MedGen C1864446, MONDO:0011272, OMIM 602772.

Allele frequency attached by ClinVar (database versions not stated): TOPMed 0.00001.
gnomAD v4.1: 3 of 1,551,672 alleles (0.00019%); highest among the groups gnomAD compares: Non-Finnish European, 0.00026%; no homozygotes.

Submissions (2):

ARUP Laboratories, Molecular Genetics and Genomics, ARUP Laboratories
Classification: Uncertain significance for Retinitis pigmentosa 25. Last evaluated: 2019-04-18. Review status: criteria provided, single submitter. Criteria: ARUP Molecular Germline Variant Investigation Process. Collection method: clinical testing. Allele origin: germline.
Comment: The EYS c.7748G>C; p.Arg2583Pro variant (rs564020009), to our knowledge, is not reported in the medical literature or in gene-specific databases. The variant is reported in the general population in 2 out of 157478 alleles in the Genome Aggregation Database, indicating it is not a common polymorphism. The amino acid at this position is moderately conserved and computational algorithms (PolyPhen-2, SIFT) predict this variant is deleterious. Due to limited information, the clinical significance of the variant is uncertain at this time.

Department of Pathology and Laboratory Medicine, Sinai Health System
Classification: Uncertain significance. Review status: no assertion criteria provided. Collection method: clinical testing. Allele origin: unknown. Affected: yes. Study: The Canadian Open Genetics Repository (COGR). Not counted in ClinVar's aggregate classification.
Comment: The EYS p.Arg2583Pro variant was not identified in the literature nor was it identified in ClinVar. The variant was identified in dbSNP (ID: rs564020009) and in control databases in 2 of 157478 chromosomes at a frequency of 0.0000127 (Genome Aggregation Database March 6, 2019, v2.1.1). The variant was observed in the European (non-Finnish) population in 2 of 61146 chromosomes (freq: 0.000033), but was not observed in the African, Latino, Ashkenazi Jewish, East Asian, European (Finnish), Other, or South Asian populations. The p.Arg2583 residue is not conserved in mammals and computational analyses (PolyPhen-2, SIFT, AlignGVGD, BLOSUM, MutationTaster) provide inconsistent predictions regarding the impact to the protein; this information is not very predictive of pathogenicity. The variant occurs outside of the splicing consensus sequence and in silico or computational prediction software programs (SpliceSiteFinder, MaxEntScan, NNSPLICE, GeneSplicer) do not predict a difference in splicing. In summary, based on the above information the clinical significance of this variant cannot be determined with certainty at this time. This variant is classified as a variant of uncertain significance.